The following is an entry in ClinVar:

NM_005269.3(GLI1):c.3035G>T (p.Gly1012Val)

Gene: GLI1 (GLI family zinc finger 1; plus strand). Cytogenetic location: 12q13.3.
Variant type: single nucleotide variant.
Coding change: c.3035G>T on transcript NM_005269.3 (MANE Select); coding-DNA position 3035, G replaced by T.
Protein change: p.Gly1012Val; replaces glycine 1012 with valine.
Molecular consequence: missense variant.
Genome position (GRCh38, 1-based): chr12:57,471,775, G>T. VCF-style: chr12-57471775-G-T. GRCh37 (hg19) VCF-style: chr12-57865558-G-T.
Other names: c.2651G>T, p.Gly884Val (NM_001160045.2); c.2912G>T, p.Gly971Val (NM_001167609.2); short protein forms G884V, G971V, G1012V.
Identifiers: ClinVar variation 773833 (VCV000773833.6), dbSNP rs2229300, ClinGen allele CA6649070.

ClinVar aggregate classification (germline): Benign. Review status: criteria provided, single submitter (1 of 4 stars). 2 submissions from 2 submitters: Benign (1). 1 of the submissions does not count toward it. Last evaluated 2019-12-31.

Conditions:
GLI1-related disorder. Also called: GLI1-related condition.

Allele frequency attached by ClinVar (database versions not stated): gnomAD 0.00192 and 0.00264; TOPMed 0.00239; ExAC 0.00499; gnomAD exomes 0.00571 and 0.00151; 1000 Genomes Project 30x 0.01749; 1000 Genomes Project 0.01937; ESP Exome Variant Server 0.00008.

Submissions (2):

Labcorp Genetics (formerly Invitae), Labcorp
Classification: Benign. Last evaluated: 2019-12-31. Review status: criteria provided, single submitter. Criteria: Invitae Variant Classification Sherloc (09022015). Collection method: clinical testing. Allele origin: germline.

PreventionGenetics, part of Exact Sciences
Classification: Benign for GLI1-related condition. Last evaluated: 2019-10-22. Review status: no assertion criteria provided. Collection method: clinical testing. Allele origin: germline. Not counted in ClinVar's aggregate classification.
Comment: This variant is classified as benign based on ACMG/AMP sequence variant interpretation guidelines (Richards et al. 2015 PMID: 25741868, with internal and published modifications).